The following is an entry in ClinVar:

ClinVar aggregate classification (germline): Conflicting classifications of pathogenicity. Review status: criteria provided, conflicting classifications (1 of 4 stars). 4 submissions from 4 submitters: Uncertain significance (1); Likely benign (3). Last evaluated 2024-04-29.

Conditions:
Hereditary cancer-predisposing syndrome. Also called: Tumor predisposition; Hereditary neoplastic syndrome; Neoplastic Syndromes, Hereditary; Hereditary Cancer Syndrome. Identifiers: Orphanet 140162, MedGen C0027672, MeSH D009386, MONDO:0015356.
Ataxia-telangiectasia syndrome (AT). Also called: Ataxia-telangiectasia, complementation group D; Cerebello-oculocutaneous telangiectasia; Immunodeficiency with ataxia telangiectasia; LOUIS-BAR SYNDROME; Ataxia-telangiectasia; AT, COMPLEMENTATION GROUP C. Identifiers: Orphanet 100, MedGen C0004135, MONDO:0008840, OMIM 208900.

Submissions (4):

Labcorp Genetics (formerly Invitae), Labcorp
Classification: Likely benign for Ataxia-telangiectasia syndrome. Last evaluated: 2024-04-29. Review status: criteria provided, single submitter. Criteria: Invitae Variant Classification Sherloc (09022015). Collection method: clinical testing. Allele origin: germline.

Ambry Genetics
Classification: Likely benign for Hereditary cancer-predisposing syndrome. Last evaluated: 2022-05-24. Review status: criteria provided, single submitter. Criteria: Ambry Variant Classification Scheme 2023. Collection method: clinical testing. Allele origin: germline.

GeneDx
Classification: Uncertain significance. Last evaluated: 2019-12-24. Review status: criteria provided, single submitter. Criteria: GeneDx Variant Classification Process June 2021. Collection method: clinical testing. Allele origin: germline. Affected: yes.
Comment: Not observed in large population cohorts (Lek et al., 2016); In silico analysis, which includes splice predictors and evolutionary conservation, supports that this variant does not alter protein structure/function; Has not been previously published as pathogenic or benign to our knowledge

Color Diagnostics, LLC DBA Color Health
Classification: Likely benign for Hereditary cancer-predisposing syndrome. Last evaluated: 2018-11-26. Review status: criteria provided, single submitter. Criteria: ACMG Guidelines, 2015. Collection method: clinical testing. Allele origin: germline.

NM_000051.4(ATM):c.2130A>G (p.Thr710=)

Gene: ATM (ATM serine/threonine kinase; plus strand). Cytogenetic location: 11q22.3.
Variant type: single nucleotide variant.
Coding change: c.2130A>G on transcript NM_000051.4 (MANE Select); coding-DNA position 2130, A replaced by G.
Protein change: p.Thr710=; no amino-acid change (threonine 710 retained).
Molecular consequence: synonymous variant.
Genome position (GRCh38, 1-based): chr11:108,256,220, A>G. VCF-style: chr11-108256220-A-G. GRCh37 (hg19) VCF-style: chr11-108126947-A-G.
Other names: c.2130A>G, p.Thr710= (NM_001351834.2).
Identifiers: ClinVar variation 926386 (VCV000926386.8), dbSNP rs2080472731, ClinGen allele CA476672480.